The following is an entry in ClinVar:

ClinVar aggregate classification (germline): Pathogenic. Review status: criteria provided, multiple submitters, no conflicts (2 of 4 stars). 2 submissions from 2 submitters: Pathogenic (2). Last evaluated 2024-05-14.

Conditions:
Retinitis pigmentosa 25 (RP25). Identifiers: Orphanet 791, MedGen C1864446, MONDO:0011272, OMIM 602772.

Submissions (2):

Myriad Genetics, Inc.
Classification: Pathogenic for Retinitis pigmentosa 25. Last evaluated: 2024-05-14. Review status: criteria provided, single submitter. Criteria: Myriad Autosomal Dominant, Autosomal Recessive and X-Linked Classification Criteria (2023). Collection method: clinical testing. Allele origin: unknown.
Comment: NM_001142800.1(EYS):c.7283C>A(S2428*) is expected to be pathogenic in the context of retinitis pigmentosa, EYS-related. This variant is predicted to lead to an abnormal or absent protein product due to the creation of a premature termination codon in EYS, a gene where loss-of-function variants are known to be pathogenic. Please note: this variant was assessed in the context of healthy population screening.

Labcorp Genetics (formerly Invitae), Labcorp
Classification: Pathogenic. Last evaluated: 2021-05-04. Review status: criteria provided, single submitter. Criteria: Invitae Variant Classification Sherloc (09022015). Collection method: clinical testing. Allele origin: germline.
Comment: This variant has been observed in individual(s) with inherited retinal dystrophy (PMID: 22302105, 31814702). This sequence change creates a premature translational stop signal (p.Ser2428*) in the EYS gene. It is expected to result in an absent or disrupted protein product. Loss-of-function variants in EYS are known to be pathogenic (PMID: 18836446, 20333770). This variant is not present in population databases (ExAC no frequency). For these reasons, this variant has been classified as Pathogenic.

Literature cited by the submitters: PubMed 22302105 (cited by Labcorp Genetics (formerly Invitae), Labcorp); PubMed 31814702 (cited by Labcorp Genetics (formerly Invitae), Labcorp); PubMed 18836446 (cited by Labcorp Genetics (formerly Invitae), Labcorp); PubMed 20333770 (cited by Labcorp Genetics (formerly Invitae), Labcorp).

NM_001142800.2(EYS):c.7283C>A (p.Ser2428Ter)

Gene: EYS (EGF-like photoreceptor maintenance factor; minus strand). Cytogenetic location: 6q12.
Variant type: single nucleotide variant.
Coding change: c.7283C>A on transcript NM_001142800.2 (MANE Select); coding-DNA position 7283, C replaced by A.
Protein change: p.Ser2428Ter; replaces serine 2428 with a stop codon.
Molecular consequence: nonsense.
Genome position (GRCh38, 1-based): chr6:63,806,318, G>T on the plus strand (C>A on the coding strand, the complement: EYS is on the minus strand). VCF-style: chr6-63806318-G-T. GRCh37 (hg19) VCF-style: chr6-64516211-G-T.
Other names: c.7283C>A, p.Ser2428Ter (NM_001292009.2); short protein forms S2428*.
Identifiers: ClinVar variation 1456822 (VCV001456822.9), dbSNP rs2149678975, ClinGen allele CA364387998.